The following is an entry in ClinVar:

ClinVar aggregate classification (germline): Uncertain significance (1 of 4 stars; one submission).

Conditions:
Inborn genetic diseases. Identifiers: MedGen C0950123, MeSH D030342.

Allele frequency attached by ClinVar (database versions not stated): gnomAD exomes below 0.00001.
gnomAD v4.1: 1 of 1,614,160 alleles (0.000062%); highest among the groups gnomAD compares: Non-Finnish European, 0.000085%; no homozygotes.

Submission:

Ambry Genetics
Classification: Uncertain significance for Inborn genetic diseases. Last evaluated: 2023-02-10. Review status: criteria provided, single submitter. Criteria: Ambry Variant Classification Scheme 2023. Collection method: clinical testing. Allele origin: germline.
Comment: The p.G307R variant (also known as c.919G>A), located in coding exon 9 of the RAD51 gene, results from a G to A substitution at nucleotide position 919. The glycine at codon 307 is replaced by arginine, an amino acid with dissimilar properties. This amino acid position is conserved. In addition, this alteration is predicted to be deleterious by in silico analysis. Since supporting evidence is limited at this time, the clinical significance of this alteration remains unclear.

NM_002875.5(RAD51):c.919G>A (p.Gly307Arg)

Gene: RAD51 (RAD51 recombinase; plus strand). Cytogenetic location: 15q15.1.
Variant type: single nucleotide variant.
Coding change: c.919G>A on transcript NM_002875.5 (MANE Select); coding-DNA position 919, G replaced by A.
Protein change: p.Gly307Arg; replaces glycine 307 with arginine.
Molecular consequence: missense variant.
Genome position (GRCh38, 1-based): chr15:40,731,077, G>A. VCF-style: chr15-40731077-G-A. GRCh37 (hg19) VCF-style: chr15-41023275-G-A.
Other names: c.922G>A, p.Gly308Arg (NM_001164269.2, NM_133487.4); c.797G>A, p.Arg266Lys (NM_001164270.2); short protein forms G307R, G308R, R266K.
Identifiers: ClinVar variation 2450859 (VCV002450859.2), dbSNP rs2504537367, ClinGen allele CA391760677.